The following is an entry in ClinVar:

NM_004618.5(TOP3A):c.529C>T (p.Arg177Ter)

Gene: TOP3A (DNA topoisomerase III alpha; minus strand). Cytogenetic location: 17p11.2.
Variant type: single nucleotide variant.
Coding change: c.529C>T on transcript NM_004618.5 (MANE Select); coding-DNA position 529, C replaced by T.
Protein change: p.Arg177Ter; replaces arginine 177 with a stop codon.
Molecular consequence: nonsense.
Genome position (GRCh38, 1-based): chr17:18,302,694, G>A on the plus strand (C>T on the coding strand, the complement: TOP3A is on the minus strand). VCF-style: chr17-18302694-G-A. GRCh37 (hg19) VCF-style: chr17-18206008-G-A.
Other names: p.Arg177*; c.529C>T (NM_004618.4); c.244C>T, p.Arg82Ter (NM_001320759.2); short protein forms R177*, R82*.
Identifiers: ClinVar variation 2415400 (VCV002415400.11), dbSNP rs200150335, ClinGen allele CA8430186.

ClinVar aggregate classification (germline): Pathogenic/Likely pathogenic. Review status: criteria provided, multiple submitters, no conflicts (2 of 4 stars). 5 submissions from 5 submitters: Pathogenic (2); Likely pathogenic (3). Last evaluated 2025-09-14.

Conditions:
TOP3A-related disorder. Also called: TOP3A-related disorders; TOP3A-related condition.
Microcephaly, growth restriction, and increased sister chromatid exchange 2. Identifiers: MedGen C4748176, MONDO:0020628, OMIM 618097.

Allele frequency attached by ClinVar (database versions not stated): TOPMed 0.00004; gnomAD exomes 0.00005; gnomAD 0.00006; ESP Exome Variant Server 0.00008; ExAC 0.00010.
gnomAD v4.1: 83 of 1,613,830 alleles (0.0051%); highest among the groups gnomAD compares: Non-Finnish European, 0.0065%; no homozygotes.

Submissions (5):

Labcorp Genetics (formerly Invitae), Labcorp
Classification: Pathogenic. Last evaluated: 2025-09-14. Review status: criteria provided, single submitter. Criteria: Invitae Variant Classification Sherloc (09022015). Collection method: clinical testing. Allele origin: germline.
Comment: This sequence change creates a premature translational stop signal (p.Arg177*) in the TOP3A gene. It is expected to result in an absent or disrupted protein product. Loss-of-function variants in TOP3A are known to be pathogenic (PMID: 30057030). This variant is present in population databases (rs200150335, gnomAD 0.02%). This variant has not been reported in the literature in individuals affected with TOP3A-related conditions. ClinVar contains an entry for this variant (Variation ID: 2415400). Algorithms developed to predict the effect of sequence changes on RNA splicing suggest that this variant may disrupt the consensus splice site. For these reasons, this variant has been classified as Pathogenic.

PreventionGenetics, part of Exact Sciences
Classification: Likely pathogenic for TOP3A-related condition. Last evaluated: 2025-01-14. Review status: criteria provided, single submitter. Criteria: ACMG Guidelines, 2015. Collection method: clinical testing. Allele origin: germline.
Comment: The TOP3A c.529C>T variant is predicted to result in premature protein termination (p.Arg177*). This variant has not been reported in the literature is associated with TOP3A-related disorders. This variant is reported in 0.013% of alleles in individuals of European (non-Finnish) descent in gnomAD. Nonsense variants in TOP3A are expected to be pathogenic. This variant is interpreted as likely pathogenic.

Blueprint Genetics
Classification: Likely pathogenic for TOP3A-related disorders. Last evaluated: 2024-06-27. Review status: criteria provided, single submitter. Criteria: ACMG Guidelines, 2015. Collection method: clinical testing. Allele origin: germline. Affected: yes. Observed: 5 variant alleles.

Victorian Clinical Genetics Services, Murdoch Childrens Research Institute
Classification: Pathogenic for Microcephaly, growth restriction, and increased sister chromatid exchange 2. Last evaluated: 2023-12-21. Review status: criteria provided, single submitter. Criteria: ACMG Guidelines, 2015. Collection method: clinical testing. Allele origin: germline. Inheritance: Autosomal recessive inheritance.
Comment: Based on the classification scheme VCGS_Germline_v1.3.4, this variant is classified as Pathogenic. Following criteria are met: 0102 - Loss of function is a known mechanism of disease in this gene and is associated with microcephaly, growth restriction, and increased sister chromatid exchange 2 (MIM#618097). (I) 0106 - This gene is associated with autosomal recessive disease. (I) 0201 - Variant is predicted to cause nonsense-mediated decay (NMD) and loss of protein (premature termination codon is located at least 54 nucleotides upstream of the final exon-exon junction). (SP) 0251 - This variant is heterozygous. (I) 0304 - Variant is present in gnomAD <0.01 for a recessive condition (v2: 18 heterozygotes, 0 homozygotes). (SP) 0701 - Other NMD-predicted variants comparable to the one identified in this case have very strong previous evidence for pathogenicity (PMID: 37013609; ClinVar). (SP) 0807 - This variant has no previous evidence of pathogenicity. (I) 0905 - No published segregation evidence has been identified for this variant. (I) 1007 - No published functional evidence has been identified for this variant. (I) Legend: (SP) - Supporting pathogenic, (I) - Information, (SB) - Supporting benign

Mayo Clinic Laboratories, Mayo Clinic
Classification: Likely pathogenic. Last evaluated: 2023-07-21. Review status: criteria provided, single submitter. Criteria: ACMG Guidelines, 2015. Collection method: clinical testing. Allele origin: germline. Observed: 1 variant allele.
Comment: PM2_moderate, PVS1

Literature cited by the submitters: PubMed 30057030 (cited by Labcorp Genetics (formerly Invitae), Labcorp); PubMed 37013609 (cited by Victorian Clinical Genetics Services, Murdoch Childrens Research Institute); PubMed 26689913 (cited by Mayo Clinic Laboratories, Mayo Clinic).